The following is an entry in ClinVar:

NM_001611.5(ACP5):c.804G>T (p.Lys268Asn)

Gene: ACP5 (acid phosphatase 5, tartrate resistant; minus strand). Cytogenetic location: 19p13.2.
Variant type: single nucleotide variant.
Coding change: c.804G>T on transcript NM_001611.5 (MANE Select); coding-DNA position 804, G replaced by T.
Protein change: p.Lys268Asn; replaces lysine 268 with asparagine.
Molecular consequence: missense variant.
Genome position (GRCh38, 1-based): chr19:11,575,184, C>A on the plus strand (G>T on the coding strand, the complement: ACP5 is on the minus strand). VCF-style: chr19-11575184-C-A. GRCh37 (hg19) VCF-style: chr19-11685999-C-A.
Other names: c.804G>T, p.Lys268Asn (NM_001111034.3, NM_001111035.3, NM_001111036.3 and 1 more transcripts); short protein forms K268N.
Identifiers: ClinVar variation 1041817 (VCV001041817.9), dbSNP rs1973084550, ClinGen allele CA404145707.

ClinVar aggregate classification (germline): Uncertain significance (1 of 4 stars; one submission).

Conditions:
Spondyloenchondrodysplasia with immune dysregulation (SPENCDI). Also called: SPONDYLOENCHONDRODYSPLASIA WITH OR WITHOUT IMMUNE DYSREGULATION; ROIFMAN IMMUNOSKELETAL SYNDROME; COMBINED IMMUNODEFICIENCY WITH AUTOIMMUNITY AND SPONDYLOMETAPHYSEAL DYSPLASIA. Identifiers: Orphanet 1855, MedGen C1842763, MONDO:0011939, OMIM 607944.

Submission:

Labcorp Genetics (formerly Invitae), Labcorp
Classification: Uncertain significance for Spondyloenchondrodysplasia with immune dysregulation. Last evaluated: 2022-07-06. Review status: criteria provided, single submitter. Criteria: Invitae Variant Classification Sherloc (09022015). Collection method: clinical testing. Allele origin: germline.
Comment: In summary, the available evidence is currently insufficient to determine the role of this variant in disease. Therefore, it has been classified as a Variant of Uncertain Significance. Algorithms developed to predict the effect of missense changes on protein structure and function are either unavailable or do not agree on the potential impact of this missense change (SIFT: "Not Available"; PolyPhen-2: "Benign"; Align-GVGD: "Not Available"). ClinVar contains an entry for this variant (Variation ID: 1041817). This variant has not been reported in the literature in individuals affected with ACP5-related conditions. This variant is not present in population databases (gnomAD no frequency). This sequence change replaces lysine, which is basic and polar, with asparagine, which is neutral and polar, at codon 268 of the ACP5 protein (p.Lys268Asn).